The following is an entry in ClinVar:

ClinVar aggregate classification (germline): Pathogenic (1 of 4 stars; one submission).

Conditions:
Carnitine palmitoyltransferase II deficiency. Also called: Carnitine Palmitoyltransferase 2 Deficiency. Identifiers: Orphanet 157, MedGen C0342790, MONDO:0015515.

Submission:

Myriad Genetics, Inc.
Classification: Pathogenic for Carnitine palmitoyltransferase II deficiency. Last evaluated: 2026-09-04. Review status: criteria provided, single submitter. Criteria: Myriad Autosomal Dominant, Autosomal Recessive and X-Linked Classification Criteria (2023). Collection method: clinical testing. Allele origin: unknown.
Comment: NM_000098.2(CPT2):c.1529dupA(R511Efs*4) is a frameshift variant classified as pathogenic in the context of carnitine palmitoyltransferase II deficiency. R511Efs*4 has not been observed in cases with relevant disease. Relevant functional assessments of this variant are not available in the literature. R511Efs*4 has not been observed in referenced population frequency databases. In summary, NM_000098.2(CPT2):c.1529dupA(R511Efs*4) is a frameshift variant in a gene where loss of function is a known mechanism of disease and is predicted to disrupt protein function. Please note: this variant was assessed in the context of healthy population screening.

NM_000098.3(CPT2):c.1529dup (p.Arg511fs)

Gene: CPT2 (carnitine palmitoyltransferase 2; plus strand). Cytogenetic location: 1p32.3.
Variant type: Duplication.
Coding change: c.1529dup on transcript NM_000098.3 (MANE Select); coding-DNA position 1529, one base duplicated (A; older notation c.1529dupA).
Protein change: p.Arg511fs; shifts the reading frame from arginine 511.
Molecular consequence: frameshift variant.
Genome position (GRCh38, 1-based): chr1:53,211,203, A duplicated; the last of 3 consecutive A bases (chr1:53,211,201-53,211,203); duplicating any one gives the same sequence. VCF-style (leftmost placement, unchanged base first): chr1-53211200-C-CA. GRCh37 (hg19) VCF-style: chr1-53676872-C-CA.
Other names: c.1529dup, p.Arg511fs (NM_001330589.2); short protein forms R511fs.
Identifiers: ClinVar variation 5003912 (VCV005003912.1).
Genomic context (GRCh38, chr1:53,211,200, plus strand): 5'-GTAGCACTGCCGCATTCAAGCACGGCCGCACTGAGACCATCCGCCCGGCCTCCGTCTATA[C>CA]AAAGAGGTGCTCTGAGGCCTTTGTCAGGGAGCCCTCCAGGCACAGTGCTGGTGAGCTTCA-3'